The following is an entry in ClinVar:

ClinVar aggregate classification (germline): Uncertain significance (1 of 4 stars; one submission).

Conditions:
Hereditary cancer-predisposing syndrome. Also called: Neoplastic Syndromes, Hereditary; Tumor predisposition; Hereditary Cancer Syndrome; Hereditary neoplastic syndrome. Identifiers: Orphanet 140162, MedGen C0027672, MeSH D009386, MONDO:0015356.

Allele frequency attached by ClinVar (database versions not stated): gnomAD 0.00001.

Submission:

Ambry Genetics
Classification: Uncertain significance for Hereditary cancer-predisposing syndrome. Last evaluated: 2014-11-18. Review status: criteria provided, single submitter. Criteria: Ambry Variant Classification Scheme 2023. Collection method: clinical testing. Allele origin: germline.
Comment: The p.Q3409R variant (also known as c.10226A>G and 10454A>G) is located in coding exon 26 of the BRCA2 gene. This alteration results from a A to G substitution at nucleotide position 10226. The glutamine at codon 3409 is replaced by arginine, an amino acid with some similar properties. This variant was not reported in population-based cohorts in the following databases: Database of Single Nucleotide Polymorphisms (dbSNP), NHLBI Exome Sequencing Project (ESP) and 1000 Genomes Project. To date, this alteration has been detected with an allele frequency of approximately 0.002% (greater than 64,000 alleles tested) in our clinical cohort. This amino acid position is not well conserved in available vertebrate species. In addition, this alteration is predicted to be tolerated by in silico analysis. Since supporting evidence is limited at this time, the clinical significance of p.Q3409R remains unclear.

NM_000059.4(BRCA2):c.10226A>G (p.Gln3409Arg)

Gene: BRCA2 (BRCA2 DNA repair associated; plus strand). Cytogenetic location: 13q13.1.
Variant type: single nucleotide variant.
Coding change: c.10226A>G on transcript NM_000059.4 (MANE Select); coding-DNA position 10226, A replaced by G.
Protein change: p.Gln3409Arg; replaces glutamine 3409 with arginine.
Molecular consequence: missense variant.
Genome position (GRCh38, 1-based): chr13:32,398,739, A>G. VCF-style: chr13-32398739-A-G. GRCh37 (hg19) VCF-style: chr13-32972876-A-G.
Other names: short protein forms Q3409R.
Identifiers: ClinVar variation 186630 (VCV000186630.5), dbSNP rs786203099, ClinGen allele CA010507.